The following is an entry in ClinVar:

NM_001015880.2(PAPSS2):c.1775A>C (p.Glu592Ala)

Gene: PAPSS2 (3'-phosphoadenosine 5'-phosphosulfate synthase 2; plus strand). Cytogenetic location: 10q23.31.
Variant type: single nucleotide variant.
Coding change: c.1775A>C on transcript NM_001015880.2 (MANE Select); coding-DNA position 1775, A replaced by C.
Protein change: p.Glu592Ala; replaces glutamic acid 592 with alanine.
Molecular consequence: missense variant.
Genome position (GRCh38, 1-based): chr10:87,745,885, A>C. VCF-style: chr10-87745885-A-C. GRCh37 (hg19) VCF-style: chr10-89505642-A-C.
Other names: c.1760A>C, p.Glu587Ala (NM_004670.4); short protein forms E587A, E592A.
Identifiers: ClinVar variation 1500779 (VCV001500779.9), dbSNP rs2131732875, ClinGen allele CA377484294.

ClinVar aggregate classification (germline): Uncertain significance. Review status: criteria provided, multiple submitters, no conflicts (2 of 4 stars). 2 submissions from 2 submitters: Uncertain significance (2). Last evaluated 2022-02-01.

Conditions:
Spondyloepimetaphyseal dysplasia, PAPSS2 type. Also called: BRACHYOLMIA TYPE 4 WITH MILD EPIPHYSEAL AND METAPHYSEAL CHANGES; SPONDYLODYSPLASIA AND PREMATURE PUBARCHE; SEMD, PAKISTANI TYPE. Identifiers: Orphanet 93282, MedGen C2748516, MONDO:0019666, OMIM 612847.

Allele frequency attached by ClinVar (database versions not stated): gnomAD exomes 0.00001.
gnomAD v4.1: 6 of 1,614,082 alleles (0.00037%); highest among the groups gnomAD compares: Non-Finnish European, 0.00051%; no homozygotes.

Submissions (2):

Blueprint Genetics
Classification: Uncertain significance. Last evaluated: 2022-02-01. Review status: criteria provided, single submitter. Criteria: ACMG Guidelines, 2015. Collection method: clinical testing. Allele origin: germline.

Labcorp Genetics (formerly Invitae), Labcorp
Classification: Uncertain significance for Spondyloepimetaphyseal dysplasia, PAPSS2 type. Last evaluated: 2020-11-17. Review status: criteria provided, single submitter. Criteria: Invitae Variant Classification Sherloc (09022015). Collection method: clinical testing. Allele origin: germline.
Comment: Algorithms developed to predict the effect of missense changes on protein structure and function (SIFT, PolyPhen-2, Align-GVGD) all suggest that this variant is likely to be tolerated, but these predictions have not been confirmed by published functional studies and their clinical significance is uncertain. This variant has not been reported in the literature in individuals with PAPSS2-related conditions. This variant is not present in population databases (ExAC no frequency). This sequence change replaces glutamic acid with alanine at codon 592 of the PAPSS2 protein (p.Glu592Ala). The glutamic acid residue is moderately conserved and there is a moderate physicochemical difference between glutamic acid and alanine. In summary, the available evidence is currently insufficient to determine the role of this variant in disease. Therefore, it has been classified as a Variant of Uncertain Significance.